The following is an entry in ClinVar:

ClinVar aggregate classification (germline): Conflicting classifications of pathogenicity. Review status: criteria provided, conflicting classifications (1 of 4 stars). 4 submissions from 4 submitters: Uncertain significance (2); Likely benign (1). 1 of the submissions does not count toward it. Last evaluated 2024-05-15.

Conditions:
Becker muscular dystrophy (BMD). Also called: MUSCULAR DYSTROPHY, PSEUDOHYPERTROPHIC PROGRESSIVE, BECKER TYPE; Becker Muscular Dystrophy (BMD). Identifiers: Orphanet 98895, MedGen C0917713, MONDO:0010311, OMIM 300376.
Cardiomyopathy (CMYO). Also called: Cardiomyopathies. Identifiers: Orphanet 167848, MedGen C0878544, MONDO:0004994, HP:0001638. Inheritance: Various modes of inheritance.
Duchenne muscular dystrophy (DMD). Also called: MUSCULAR DYSTROPHY, PSEUDOHYPERTROPHIC PROGRESSIVE, DUCHENNE TYPE; Duchenne Muscular Dystrophy (DMD). Identifiers: Orphanet 98896, MedGen C0013264, MONDO:0010679, OMIM 310200.
Dystrophin deficiency.
Cardiovascular phenotype. Identifiers: MedGen CN230736.

Allele frequency attached by ClinVar (database versions not stated): gnomAD exomes below 0.00001 and 0.00001.
gnomAD v4.1: 3 of 1,211,665 alleles (0.00025%); highest among the groups gnomAD compares: Non-Finnish European, 0.00034%; no homozygotes.

Submissions (4):

Labcorp Genetics (formerly Invitae), Labcorp
Classification: Uncertain significance for Duchenne muscular dystrophy. Last evaluated: 2024-05-15. Review status: criteria provided, single submitter. Criteria: Invitae Variant Classification Sherloc (09022015). Collection method: clinical testing. Allele origin: germline.
Comment: This sequence change replaces aspartic acid, which is acidic and polar, with glycine, which is neutral and non-polar, at codon 580 of the DMD protein (p.Asp580Gly). This variant is present in population databases (no rsID available, gnomAD 0.001%). This variant has not been reported in the literature in individuals affected with DMD-related conditions. ClinVar contains an entry for this variant (Variation ID: 452558). Advanced modeling of protein sequence and biophysical properties (such as structural, functional, and spatial information, amino acid conservation, physicochemical variation, residue mobility, and thermodynamic stability) performed at Invitae indicates that this missense variant is not expected to disrupt DMD protein function with a negative predictive value of 95%. In summary, the available evidence is currently insufficient to determine the role of this variant in disease. Therefore, it has been classified as a Variant of Uncertain Significance.

Ambry Genetics
Classification: Likely benign for Cardiovascular phenotype. Last evaluated: 2024-03-04. Review status: criteria provided, single submitter. Criteria: Ambry Variant Classification Scheme 2023. Collection method: clinical testing. Allele origin: germline.

GeneDx
Classification: Uncertain significance. Last evaluated: 2017-10-04. Review status: criteria provided, single submitter. Criteria: GeneDx Variant Classification (06012015). Collection method: clinical testing. Allele origin: germline. Affected: yes.
Comment: The D580G variant has not been published as a pathogenic variant, nor has it been reported as a benign variant to our knowledge. The D580G variant is not observed at a significant frequency in large population cohorts (Lek et al., 2016). This variant is a non-conservative amino acid substitution, which is likely to impact secondary protein structure as these residues differ in polarity, charge, size and/or other properties. In silico analysis predicts this variant is probably damaging to the protein structure/function. However, this substitution occurs at a position that is not conserved. Additionally, most reported pathogenic variants in the DMD gene are truncating/loss-of-function.

Natera, Inc.
Classification: Uncertain significance for Becker muscular dystrophy; Cardiomyopathy; Duchenne muscular dystrophy; Dystrophin deficiency. Last evaluated: 2020-03-16. Review status: no assertion criteria provided. Collection method: clinical testing. Allele origin: germline. Not counted in ClinVar's aggregate classification.

NM_004006.3(DMD):c.1739A>G (p.Asp580Gly)

Gene: DMD (dystrophin; minus strand). Cytogenetic location: Xp21.1.
Variant type: single nucleotide variant.
Coding change: c.1739A>G on transcript NM_004006.3 (MANE Select); coding-DNA position 1739, A replaced by G.
Protein change: p.Asp580Gly; replaces aspartic acid 580 with glycine.
Molecular consequence: missense variant.
Genome position (GRCh38, 1-based): chrX:32,573,603, T>C on the plus strand (A>G on the coding strand, the complement: DMD is on the minus strand). VCF-style: chrX-32573603-T-C. GRCh37 (hg19) VCF-style: chrX-32591720-T-C.
Other names: c.1715A>G, p.Asp572Gly (NM_000109.4); c.1727A>G, p.Asp576Gly (NM_004009.3); c.1370A>G, p.Asp457Gly (NM_004010.3); short protein forms D580G, D572G, D457G, D576G.
Identifiers: ClinVar variation 452558 (VCV000452558.11), dbSNP rs1246969208, ClinGen allele CA412673225.
Genomic context (GRCh38, chrX:32,573,603, plus strand): 5'-AGACTTGATAACATTTCATTTTGATCTTTAAAGCCAGTTGTGTGAATCTTGTTCACTGCA[T>C]CTTCTTTTTCTGAAAGCCATGCACTAAAAAGGCACTGCAAGACATTAAAGAATTCCAAGG-3'
Protein context (NP_003997.2, residues 570-590): LFSAWLSEKE[Asp580Gly]AVNKIHTTGF